The following is an entry in ClinVar:

ClinVar aggregate classification (germline): Uncertain significance (1 of 4 stars; one submission).

Conditions:
CCDC115-CDG. Also called: CONGENITAL DISORDER OF GLYCOSYLATION, TYPE IIo; CDG IIo. Identifiers: Orphanet 468684, MedGen C4225191, MONDO:0014789, OMIM 616828.

gnomAD v4.1: 21 of 1,613,946 alleles (0.0013%); highest among the groups gnomAD compares: Middle Eastern, 0.033%; no homozygotes.

Submission:

Neuberg Centre For Genomic Medicine, NCGM
Classification: Uncertain significance for CCDC115-CDG. Last evaluated: 2023-07-22. Review status: criteria provided, single submitter. Criteria: ACMG Guidelines, 2015. Collection method: clinical testing. Allele origin: germline. Inheritance: Autosomal recessive inheritance. Affected: yes.
Comment: The missense c.425G>Ap.Arg142Gln variant in CCDC115 gene has not been reported previously as a pathogenic variant nor as a benign variant, to our knowledge. The p.Arg142Gln variant is present with allele frequency of 0.002% in gnomAD Exomes. This variant has not been reported to the ClinVar database. Multiple lines of computational evidences Polyphen - Benign, SIFT - Tolerated and MutationTaster - Polymorphism predict no damaging effect on protein structure and function for this variant. The reference amino acid at this position on CCDC115 gene is predicted as conserved by PhyloP across 100 vertebrates. The amino acid Arg at position 142 is changed to a Gln changing protein sequence and it might alter its composition and physico-chemical properties. For these reasons, this variant has been classified as a Variant of Uncertain Significance VUS.

NM_032357.4(CCDC115):c.425G>A (p.Arg142Gln)

Gene: CCDC115 (coiled-coil domain containing 115; minus strand). Cytogenetic location: 2q21.1.
Variant type: single nucleotide variant.
Coding change: c.425G>A on transcript NM_032357.4 (MANE Select); coding-DNA position 425, G replaced by A.
Protein change: p.Arg142Gln; replaces arginine 142 with glutamine.
Molecular consequence: missense variant. On other transcripts: non-coding transcript variant (2).
Genome position (GRCh38, 1-based): chr2:130,340,913, C>T on the plus strand (G>A on the coding strand, the complement: CCDC115 is on the minus strand). VCF-style: chr2-130340913-C-T. GRCh37 (hg19) VCF-style: chr2-131098486-C-T.
Other names: c.410G>A, p.Arg137Gln (NM_001321118.1); c.401G>A, p.Arg134Gln (NM_001321119.2); short protein forms R134Q, R137Q, R142Q.
Identifiers: ClinVar variation 3391371 (VCV003391371.1).
Genomic context (GRCh38, chr2:130,340,913, plus strand): 5'-TCCCTGTGGATAGAGGGTCTGAGGGCCACAGAGCCAAACAACACGGTCCACTCACCATCC[C>T]GGAAGCTTGCTTGAGCCTGACGTAGACTGTGAGGAACTAGGATTCCAAACCAGTTCAGGG-3'
Protein context (NP_115733.2, residues 132-152): HSLRQAQASF[Arg142Gln]DGLQLAADIA